The following is an entry in ClinVar:

NM_001368882.1(COL13A1):c.109G>A (p.Ala37Thr)

Gene: COL13A1 (collagen type XIII alpha 1 chain; plus strand). Cytogenetic location: 10q22.1.
Variant type: single nucleotide variant.
Coding change: c.109G>A on transcript NM_001368882.1 (MANE Select); coding-DNA position 109, G replaced by A.
Protein change: p.Ala37Thr; replaces alanine 37 with threonine.
Molecular consequence: missense variant. On other transcripts: 5 prime UTR variant (1).
Genome position (GRCh38, 1-based): chr10:69,802,532, G>A. VCF-style: chr10-69802532-G-A. GRCh37 (hg19) VCF-style: chr10-71562288-G-A.
Other names: c.109G>A, p.Ala37Thr (NM_001130103.2, NM_001320951.2, NM_001368883.1 and 11 more transcripts); c.-545G>A (NM_001368886.1); short protein forms A37T.
Identifiers: ClinVar variation 1402194 (VCV001402194.3), dbSNP rs1355316916, ClinGen allele CA376961580.
Genomic context (GRCh38, chr10:69,802,532, plus strand): 5'-CCTGGGGAGTTGGGCGCGCCCGGGACGGTGGCTCTGGTGGCGGCGCGGGCGGAGCGCGGC[G>A]CACGGCTGCCGAGTCCAGGGTCGTGCGGGCTGCTGACGCTGGCCCTCTGCTCGCTGGCAC-3'
Protein context (NP_001355811.1, residues 27-47): ALVAARAERG[Ala37Thr]RLPSPGSCGL

ClinVar aggregate classification (germline): Uncertain significance (1 of 4 stars; one submission).

Allele frequency attached by ClinVar (database versions not stated): TOPMed below 0.00001.
gnomAD v4.1: 2 of 1,587,986 alleles (0.00013%); highest among the groups gnomAD compares: Admixed American, 0.0018%; no homozygotes.

Submission:

Labcorp Genetics (formerly Invitae), Labcorp
Classification: Uncertain significance. Last evaluated: 2022-03-18. Review status: criteria provided, single submitter. Criteria: Invitae Variant Classification Sherloc (09022015). Collection method: clinical testing. Allele origin: germline.
Comment: This sequence change replaces alanine, which is neutral and non-polar, with threonine, which is neutral and polar, at codon 37 of the COL13A1 protein (p.Ala37Thr). This variant is not present in population databases (gnomAD no frequency). This variant has not been reported in the literature in individuals affected with COL13A1-related conditions. Algorithms developed to predict the effect of missense changes on protein structure and function are either unavailable or do not agree on the potential impact of this missense change (SIFT: "Deleterious"; PolyPhen-2: "Probably Damaging"; Align-GVGD: "Class C0"). In summary, the available evidence is currently insufficient to determine the role of this variant in disease. Therefore, it has been classified as a Variant of Uncertain Significance.